The following is an entry in ClinVar:

NM_003105.6(SORL1):c.201G>C (p.Arg67Ser)

Genes: SORL1 (sortilin related receptor 1; plus strand), SORL1-AS1 (SORL1 antisense RNA 1; minus strand). Cytogenetic location: 11q24.1.
Variant type: single nucleotide variant.
Coding change: c.201G>C on transcript NM_003105.6 (MANE Select); coding-DNA position 201, G replaced by C.
Protein change: p.Arg67Ser; replaces arginine 67 with serine.
Molecular consequence: missense variant.
Genome position (GRCh38, 1-based): chr11:121,452,532, G>C. VCF-style: chr11-121452532-G-C. GRCh37 (hg19) VCF-style: chr11-121323241-G-C.
Other names: c.201G>C (NM_003105.5); short protein forms R67S.
Identifiers: ClinVar variation 1394881 (VCV001394881.7), dbSNP rs556756459, ClinGen allele CA6328294.

ClinVar aggregate classification (germline): Uncertain significance. Review status: criteria provided, multiple submitters, no conflicts (2 of 4 stars). 2 submissions from 2 submitters: Uncertain significance (2). Last evaluated 2026-04-04.

Conditions:
SORL1-related disorder. Also called: SORL1-related condition.

Allele frequency attached by ClinVar (database versions not stated): 1000 Genomes Project 30x 0.00016; 1000 Genomes Project 0.00020.
gnomAD v4.1: 407 of 1,488,326 alleles (0.027%); highest among the groups gnomAD compares: Non-Finnish European, 0.032%; no homozygotes.

Submissions (2):

PreventionGenetics, part of Exact Sciences
Classification: Uncertain significance for SORL1-related condition. Last evaluated: 2026-04-04. Review status: criteria provided, single submitter. Criteria: ACMG Guidelines, 2015. Collection method: clinical testing. Allele origin: germline.
Comment: The SORL1 c.201G>C variant is predicted to result in the amino acid substitution p.Arg67Ser. This variant was reported in an individual with Alzheimer disease with parkinsonism and psychiatric features (Qiu et al. 2021. PubMed ID: 33879716). This variant is reported in 0.017% of alleles in individuals of African descent in gnomAD. At this time, the clinical significance of this variant is uncertain due to the absence of conclusive functional and genetic evidence.

Labcorp Genetics (formerly Invitae), Labcorp
Classification: Uncertain significance. Last evaluated: 2021-11-17. Review status: criteria provided, single submitter. Criteria: Invitae Variant Classification Sherloc (09022015). Collection method: clinical testing. Allele origin: germline.
Comment: In summary, the available evidence is currently insufficient to determine the role of this variant in disease. Therefore, it has been classified as a Variant of Uncertain Significance. Algorithms developed to predict the effect of missense changes on protein structure and function output the following: SIFT: "Tolerated"; PolyPhen-2: "Benign"; Align-GVGD: "Class C0". The serine amino acid residue is found in multiple mammalian species, which suggests that this missense change does not adversely affect protein function. This missense change has been observed in individual(s) with Alzheimer disease (PMID: 33879716). This variant is present in population databases (rs556756459, gnomAD 0.02%). This sequence change replaces arginine, which is basic and polar, with serine, which is neutral and polar, at codon 67 of the SORL1 protein (p.Arg67Ser).

Literature cited by the submitters: PubMed 33879716 (cited by Labcorp Genetics (formerly Invitae), Labcorp).